The following is an entry in ClinVar:

NM_001367561.1(DOCK7):c.5423A>G (p.Asn1808Ser)

Gene: DOCK7 (dedicator of cytokinesis 7; minus strand). Cytogenetic location: 1p31.3.
Variant type: single nucleotide variant.
Coding change: c.5423A>G on transcript NM_001367561.1 (MANE Select); coding-DNA position 5423, A replaced by G.
Protein change: p.Asn1808Ser; replaces asparagine 1808 with serine.
Molecular consequence: missense variant.
Genome position (GRCh38, 1-based): chr1:62,489,004, T>C on the plus strand (A>G on the coding strand, the complement: DOCK7 is on the minus strand). VCF-style: chr1-62489004-T-C. GRCh37 (hg19) VCF-style: chr1-62954675-T-C.
Other names: c.5396A>G, p.Asn1799Ser (NM_001271999.2, NM_001330614.2); c.5303A>G, p.Asn1768Ser (NM_001272000.2, NM_001272001.2); c.5330A>G, p.Asn1777Ser (NM_033407.4); short protein forms N1799S, N1768S, N1808S, N1777S.
Identifiers: ClinVar variation 945664 (VCV000945664.1), dbSNP rs1646379506, ClinGen allele CA340608947.

ClinVar aggregate classification (germline): Uncertain significance (1 of 4 stars; one submission).

Conditions:
Developmental and epileptic encephalopathy, 23 (DEE23). Also called: Epileptic encephalopathy, early infantile, 23. Identifiers: Orphanet 411986, MedGen C4014492, MONDO:0014371, OMIM 615859.

Submission:

Labcorp Genetics (formerly Invitae), Labcorp
Classification: Uncertain significance for Epileptic encephalopathy, early infantile, 23. Last evaluated: 2019-05-04. Review status: criteria provided, single submitter. Criteria: Invitae Variant Classification Sherloc (09022015). Collection method: clinical testing. Allele origin: germline.
Comment: This sequence change replaces asparagine with serine at codon 1799 of the DOCK7 protein (p.Asn1799Ser). The asparagine residue is highly conserved and there is a small physicochemical difference between asparagine and serine. This variant is not present in population databases (ExAC no frequency). This variant has not been reported in the literature in individuals with DOCK7-related conditions. Algorithms developed to predict the effect of missense changes on protein structure and function (SIFT, PolyPhen-2, Align-GVGD) all suggest that this variant is likely to be tolerated, but these predictions have not been confirmed by published functional studies and their clinical significance is uncertain. In summary, the available evidence is currently insufficient to determine the role of this variant in disease. Therefore, it has been classified as a Variant of Uncertain Significance.